The following is an entry in ClinVar:

NM_000052.7(ATP7A):c.256_262del (p.Asp86fs)

Gene: ATP7A (ATPase copper transporting alpha; plus strand). Cytogenetic location: Xq21.1.
Variant type: Deletion.
Coding change: c.256_262del on transcript NM_000052.7 (MANE Select); coding-DNA positions 256 to 262, 7 bases deleted (GACACCT; older notation c.256_262delGACACCT).
Protein change: p.Asp86fs; shifts the reading frame from aspartic acid 86.
Molecular consequence: frameshift variant.
Genome position (GRCh38, 1-based): chrX:77,988,377-77,988,383, GACACCT deleted; deleting any 7 consecutive bases within chrX:77,988,375-77,988,383 gives the same sequence; the c. name uses the placement nearest the transcript's 3' end. VCF-style (leftmost placement, unchanged base first): chrX-77988374-ACTGACAC-A. GRCh37 (hg19) VCF-style: chrX-77243870-ACTGACAC-A.
Other names: c.256_262del, p.Asp86fs (NM_001282224.2); short protein forms D86fs.
Identifiers: ClinVar variation 1725455 (VCV001725455.3), dbSNP rs2522289268, ClinGen allele CA2580101429.
Genomic context (GRCh38, chrX:77,988,374, plus strand): 5'-GCTATTGATGACATGGGCTTTGATGCTGTTATCCATAATCCTGACCCTCTCCCTGTTTTA[ACTGACAC>A]CTTGTTTCTGACTGTTACGGCGTCACTGACTTTGCCATGGGACCATATCCAAAGCACATT-3'

ClinVar aggregate classification (germline): Likely pathogenic (1 of 4 stars; one submission).

Conditions:
Menkes kinky-hair syndrome (MNK). Also called: Copper transport disease; Classic Menkes Disease; Menkes Disease. Identifiers: Orphanet 565, MedGen C0022716, MONDO:0010651, OMIM 309400.

Submission:

Myriad Genetics, Inc.
Classification: Likely pathogenic for Menkes kinky-hair syndrome. Last evaluated: 2022-03-23. Review status: criteria provided, single submitter. Criteria: Myriad Autosomal Dominant, Autosomal Recessive and X-Linked Classification Criteria (2023). Collection method: clinical testing. Allele origin: unknown.
Comment: NM_000052.5(ATP7A):c.256_262del7(D86Cfs*3) is expected to be pathogenic in the context of ATP7A-related disorders. This variant is predicted to lead to an abnormal or absent protein product due to the creation of a premature termination codon in ATP7A, a gene where loss-of-function variants are known to be pathogenic. Please note: this variant was assessed in the context of healthy population screening.